The following is an entry in ClinVar:

NM_032575.3(GLIS2):c.1559C>T (p.Pro520Leu)

Gene: GLIS2 (GLIS family zinc finger 2; plus strand). Cytogenetic location: 16p13.3.
Variant type: single nucleotide variant.
Coding change: c.1559C>T on transcript NM_032575.3 (MANE Select); coding-DNA position 1559, C replaced by T.
Protein change: p.Pro520Leu; replaces proline 520 with leucine.
Molecular consequence: missense variant.
Genome position (GRCh38, 1-based): chr16:4,337,508, C>T. VCF-style: chr16-4337508-C-T. GRCh37 (hg19) VCF-style: chr16-4387509-C-T.
Other names: c.1559C>T, p.Pro520Leu (NM_001318918.2); short protein forms P520L.
Identifiers: ClinVar variation 1025251 (VCV001025251.7), dbSNP rs144263133, ClinGen allele CA7873295.
Genomic context (GRCh38, chr16:4,337,508, plus strand): 5'-GCCCAGAGGCGTTGGCCCCTGGCTGGGTGGTCATCCCGCCGGGCTCGGTGCTGCTCAAAC[C>T]GGCTGTGGTGAACTGAGCCCATCCTGCGGACAGTTGTGGTGCCCCCCCGGCAGCTCCCGG-3'
Protein context (NP_115964.2, residues 510-524): VIPPGSVLLK[Pro520Leu]AVVN

ClinVar aggregate classification (germline): Uncertain significance. Review status: criteria provided, multiple submitters, no conflicts (2 of 4 stars). 2 submissions from 2 submitters: Uncertain significance (2). Last evaluated 2022-11-01.

Conditions:
Nephronophthisis 7 (NPHP7). Identifiers: Orphanet 655, MedGen C1969092, MONDO:0012680, OMIM 611498.
Nephronophthisis. Also called: Juvenile Nephronophthisis. Identifiers: Orphanet 655, MedGen C0687120, MONDO:0019005, HP:0000090.

Allele frequency attached by ClinVar (database versions not stated): ExAC below 0.00001; gnomAD 0.00002; gnomAD exomes 0.00003; TOPMed 0.00003; ESP Exome Variant Server 0.00008.
gnomAD v4.1: 27 of 1,561,078 alleles (0.0017%); highest among the groups gnomAD compares: Admixed American, 0.0093%; no homozygotes.

Submissions (2):

Labcorp Genetics (formerly Invitae), Labcorp
Classification: Uncertain significance for Nephronophthisis. Last evaluated: 2022-11-01. Review status: criteria provided, single submitter. Criteria: Invitae Variant Classification Sherloc (09022015). Collection method: clinical testing. Allele origin: germline.
Comment: In summary, the available evidence is currently insufficient to determine the role of this variant in disease. Therefore, it has been classified as a Variant of Uncertain Significance. Algorithms developed to predict the effect of missense changes on protein structure and function are either unavailable or do not agree on the potential impact of this missense change (SIFT: "Deleterious"; PolyPhen-2: "Not Available"; Align-GVGD: "Class C65"). ClinVar contains an entry for this variant (Variation ID: 1025251). This variant has not been reported in the literature in individuals affected with GLIS2-related conditions. The frequency data for this variant in the population databases is considered unreliable, as metrics indicate poor data quality at this position in the gnomAD database. This sequence change replaces proline, which is neutral and non-polar, with leucine, which is neutral and non-polar, at codon 520 of the GLIS2 protein (p.Pro520Leu).

Fulgent Genetics
Classification: Uncertain significance for Nephronophthisis 7. Last evaluated: 2021-09-28. Review status: criteria provided, single submitter. Criteria: ACMG Guidelines, 2015. Collection method: clinical testing. Allele origin: unknown.